The following is an entry in ClinVar:

ClinVar aggregate classification (germline): Likely pathogenic (1 of 4 stars; one submission).

Conditions:
Ornithine carbamoyltransferase deficiency (OTCD). Also called: ORNITHINE TRANSCARBAMYLASE DEFICIENCY; ORNITHINE TRANSCARBAMYLASE DEFICIENCY, HYPERAMMONEMIA DUE TO; OTC DEFICIENCY; Ornithine Carbamoyltransferase Deficiency Disease. Identifiers: Orphanet 664, MedGen C0268542, MONDO:0010703, OMIM 311250.

Submission:

Labcorp Genetics (formerly Invitae), Labcorp
Classification: Likely pathogenic for Ornithine carbamoyltransferase deficiency. Last evaluated: 2021-10-14. Review status: criteria provided, single submitter. Criteria: Invitae Variant Classification Sherloc (09022015). Collection method: clinical testing. Allele origin: germline.
Comment: In summary, the currently available evidence indicates that the variant is pathogenic, but additional data are needed to prove that conclusively. Therefore, this variant has been classified as Likely Pathogenic. This sequence change replaces histidine with aspartic acid at codon 302 of the OTC protein (p.His302Asp). The histidine residue is highly conserved and there is a moderate physicochemical difference between histidine and aspartic acid. This variant is not present in population databases (ExAC no frequency). This variant has not been reported in the literature in individuals affected with OTC-related conditions. Advanced modeling of protein sequence and biophysical properties (such as structural, functional, and spatial information, amino acid conservation, physicochemical variation, residue mobility, and thermodynamic stability) performed at Invitae indicates that this missense variant is expected to disrupt OTC protein function. Algorithms developed to predict the effect of sequence changes on RNA splicing suggest that this variant may create or strengthen a splice site. This variant disrupts the p.His302 amino acid residue in OTC. Other variant(s) that disrupt this residue have been observed in individuals with OTC-related conditions (PMID: 8807340, 9266388, 33272297), which suggests that this may be a clinically significant amino acid residue.

Literature cited by the submitters: PubMed 8807340; PubMed 9266388; PubMed 33272297.

NM_000531.6(OTC):c.904C>G (p.His302Asp)

Gene: OTC (ornithine transcarbamylase; plus strand). Cytogenetic location: Xp11.4.
Variant type: single nucleotide variant.
Coding change: c.904C>G on transcript NM_000531.6 (MANE Select); coding-DNA position 904, C replaced by G.
Protein change: p.His302Asp; replaces histidine 302 with aspartic acid.
Molecular consequence: missense variant.
Genome position (GRCh38, 1-based): chrX:38,411,898, C>G. VCF-style: chrX-38411898-C-G. GRCh37 (hg19) VCF-style: chrX-38271151-C-G.
Other names: short protein forms H302D.
Identifiers: ClinVar variation 1501921 (VCV001501921.6), dbSNP rs72558463, ClinGen allele CA412725805.
Genomic context (GRCh38, chrX:38,411,898, plus strand): 5'-GTGGTCTTATCCCCATCTCTTTAGACTGCTAAAGTTGCTGCCTCTGACTGGACATTTTTA[C>G]ACTGCTTGCCCAGAAAGCCAGAAGAAGTGGATGATGAAGTCTTTTATTCTCCTCGATCAC-3'
Protein context (NP_000522.3, residues 292-312): KVAASDWTFL[His302Asp]CLPRKPEEVD